The following is an entry in ClinVar:

ClinVar aggregate classification (germline): Benign. Review status: criteria provided, single submitter (1 of 4 stars). 2 submissions from 2 submitters: Benign (1). 1 of the submissions does not count toward it. Last evaluated 2023-09-06.

Conditions:
CWC27-related disorder. Also called: CWC27-related condition.

Submissions (2):

Labcorp Genetics (formerly Invitae), Labcorp
Classification: Benign. Last evaluated: 2023-09-06. Review status: criteria provided, single submitter. Criteria: Invitae Variant Classification Sherloc (09022015). Collection method: clinical testing. Allele origin: germline.

PreventionGenetics, part of Exact Sciences
Classification: Likely benign for CWC27-related condition. Last evaluated: 2019-07-31. Review status: no assertion criteria provided. Collection method: clinical testing. Allele origin: germline. Not counted in ClinVar's aggregate classification.
Comment: This variant is classified as likely benign based on ACMG/AMP sequence variant interpretation guidelines (Richards et al. 2015 PMID: 25741868, with internal and published modifications).

NM_005869.4(CWC27):c.600-8del

Gene: CWC27 (CWC27 spliceosome associated cyclophilin; plus strand). Cytogenetic location: 5q12.3.
Variant type: Deletion.
Coding change: c.600-8del on transcript NM_005869.4 (MANE Select); 8 bases into the intron before coding-DNA position 600, one base deleted (T; older notation c.600-8delT).
Molecular consequence: intron variant.
Genome position (GRCh38, 1-based): chr5:64,788,943, T deleted; the last of 8 consecutive T bases (chr5:64,788,936-64,788,943); deleting any one gives the same sequence. VCF-style (leftmost placement, unchanged base first): chr5-64788935-CT-C. GRCh37 (hg19) VCF-style: chr5-64084762-CT-C.
Other names: c.600-8del (NM_001297644.1, NM_001364478.1, NM_001318000.2 and 1 more transcripts); c.600-8delT (NM_005869.3).
Identifiers: ClinVar variation 2848951 (VCV002848951.5), dbSNP rs748484202, ClinGen allele CA3282017.